The following is an entry in ClinVar:

ClinVar aggregate classification (germline): Uncertain significance. Review status: criteria provided, multiple submitters, no conflicts (2 of 4 stars). 6 submissions from 6 submitters: Uncertain significance (5). 1 of the submissions does not count toward it. Last evaluated 2024-06-30.

Conditions:
Hereditary cancer-predisposing syndrome. Also called: Neoplastic Syndromes, Hereditary; Hereditary neoplastic syndrome; Tumor predisposition; Hereditary Cancer Syndrome. Identifiers: Orphanet 140162, MedGen C0027672, MeSH D009386, MONDO:0015356.
Familial cancer of breast. Also called: hereditary breast carcinoma; Hereditary breast cancer; BREAST CANCER, FAMILIAL. Identifiers: Orphanet 227535, MedGen C0346153, MONDO:0016419, OMIM 114480. Disease mechanism: loss of function.
Ataxia-telangiectasia syndrome (AT). Also called: Ataxia telangiectasia (A-T); Cerebello-oculocutaneous telangiectasia; Immunodeficiency with ataxia telangiectasia; LOUIS-BAR SYNDROME; AT, COMPLEMENTATION GROUP C; ATAXIA-TELANGIECTASIA, FRESNO VARIANT. Identifiers: Orphanet 100, MedGen C0004135, MONDO:0008840, OMIM 208900.

Allele frequency attached by ClinVar (database versions not stated): TOPMed below 0.00001.
gnomAD v4.1: 1 of 1,614,036 alleles (0.000062%); highest among the groups gnomAD compares: South Asian, 0.0011%; no homozygotes.

Submissions (6):

Color Diagnostics, LLC DBA Color Health
Classification: Uncertain significance for Hereditary cancer-predisposing syndrome. Last evaluated: 2024-06-30. Review status: criteria provided, single submitter. Criteria: ACMG Guidelines, 2015. Collection method: clinical testing. Allele origin: germline.
Comment: This missense variant replaces cysteine with phenylalanine at codon 2323 of the ATM protein. Computational prediction suggests that this variant may not impact protein structure and function (internally defined REVEL score threshold <= 0.5, PMID: 27666373). To our knowledge, functional studies have not been reported for this variant. This variant has not been reported in individuals affected with ATM-related disorders in the literature. This variant has not been identified in the general population by the Genome Aggregation Database (gnomAD). The available evidence is insufficient to determine the role of this variant in disease conclusively. Therefore, this variant is classified as a Variant of Uncertain Significance.

GeneDx
Classification: Uncertain significance. Last evaluated: 2023-04-19. Review status: criteria provided, single submitter. Criteria: GeneDx Variant Classification Process June 2021. Collection method: clinical testing. Allele origin: germline. Affected: yes.
Comment: Not observed at significant frequency in large population cohorts (gnomAD); In silico analysis supports that this missense variant does not alter protein structure/function; Has not been previously published as pathogenic or benign to our knowledge; This variant is associated with the following publications: (PMID: 23532176)

Ambry Genetics
Classification: Uncertain significance for Hereditary cancer-predisposing syndrome. Last evaluated: 2023-02-24. Review status: criteria provided, single submitter. Criteria: Ambry Variant Classification Scheme 2023. Collection method: clinical testing. Allele origin: germline.
Comment: The p.C2323F variant (also known as c.6968G>T), located in coding exon 46 of the ATM gene, results from a G to T substitution at nucleotide position 6968. The cysteine at codon 2323 is replaced by phenylalanine, an amino acid with highly dissimilar properties. This amino acid position is not well conserved in available vertebrate species, and phenylalanine is the reference amino acid in other vertebrate species. In addition, this alteration is predicted to be tolerated by in silico analysis. Since supporting evidence is limited at this time, the clinical significance of this alteration remains unclear.

Labcorp Genetics (formerly Invitae), Labcorp
Classification: Uncertain significance for Ataxia-telangiectasia syndrome. Last evaluated: 2022-05-04. Review status: criteria provided, single submitter. Criteria: Invitae Variant Classification Sherloc (09022015). Collection method: clinical testing. Allele origin: germline.
Comment: This sequence change replaces cysteine, which is neutral and slightly polar, with phenylalanine, which is neutral and non-polar, at codon 2323 of the ATM protein (p.Cys2323Phe). This variant is not present in population databases (gnomAD no frequency). This variant has not been reported in the literature in individuals affected with ATM-related conditions. ClinVar contains an entry for this variant (Variation ID: 234205). Advanced modeling of protein sequence and biophysical properties (such as structural, functional, and spatial information, amino acid conservation, physicochemical variation, residue mobility, and thermodynamic stability) performed at Invitae indicates that this missense variant is not expected to disrupt ATM protein function. In summary, the available evidence is currently insufficient to determine the role of this variant in disease. Therefore, it has been classified as a Variant of Uncertain Significance.

Neuberg Centre For Genomic Medicine, NCGM
Classification: Uncertain significance for Familial cancer of breast. Review status: criteria provided, single submitter. Criteria: ACMG Guidelines, 2015. Collection method: clinical testing. Allele origin: germline. Inheritance: Autosomal dominant inheritance. Affected: yes.
Comment: The missense variant in c.6968G>T(p.Cys2323Phe) in ATM gene has not been reported previously as a pathogenic variant nor as a benign variant, to our knowledge. The p.Cys2323Phe variant is novel (not in any individuals) in gnomAD Exomes and 1000 Genomes. This variant has been reported to the ClinVar database as Uncertain Significance (VUS). The amino acid change p.Cys2323Phe in ATM is predicted as conserved by PhyloP across 100 vertebrates. The amino acid Cys at position 2323 is changed to a Phe changing protein sequence and it might alter its composition and physico-chemical properties. For these reasons, this variant has been classified as Uncertain Significance (VUS).

Natera, Inc.
Classification: Uncertain significance for Ataxia-telangiectasia. Last evaluated: 2021-03-31. Review status: no assertion criteria provided. Collection method: clinical testing. Allele origin: germline. Not counted in ClinVar's aggregate classification.

NM_000051.4(ATM):c.6968G>T (p.Cys2323Phe)

Genes: ATM (ATM serine/threonine kinase; plus strand), C11orf65 (chromosome 11 open reading frame 65; minus strand). Cytogenetic location: 11q22.3.
Variant type: single nucleotide variant.
Coding change: c.6968G>T on transcript NM_000051.4 (MANE Select); coding-DNA position 6968, G replaced by T.
Protein change: p.Cys2323Phe; replaces cysteine 2323 with phenylalanine.
Molecular consequence: missense variant. On other transcripts: intron variant (2).
Genome position (GRCh38, 1-based): chr11:108,326,218, G>T. VCF-style: chr11-108326218-G-T. GRCh37 (hg19) VCF-style: chr11-108196945-G-T.
Other names: c.6968G>T, p.Cys2323Phe (NM_001351834.2); c.641-17147C>A (NM_001330368.2); c.*38+9002C>A (NM_001351110.2); short protein forms C2323F.
Identifiers: ClinVar variation 234205 (VCV000234205.25), dbSNP rs876660924, ClinGen allele CA10579243.